The following is an entry in ClinVar:

ClinVar aggregate classification (germline): Uncertain significance (1 of 4 stars; one submission).

Allele frequency attached by ClinVar (database versions not stated): gnomAD exomes below 0.00001.
gnomAD v4.1: 2 of 1,613,802 alleles (0.00012%); highest among the groups gnomAD compares: Non-Finnish European, 0.00017%; no homozygotes.

Submission:

Ambry Genetics
Classification: Uncertain significance. Last evaluated: 2021-12-22. Review status: criteria provided, single submitter. Criteria: Ambry Variant Classification Scheme 2023. Collection method: clinical testing. Allele origin: germline.
Comment: The p.T713I variant (also known as c.2138C>T), located in coding exon 1 of the MLH3 gene, results from a C to T substitution at nucleotide position 2138. The threonine at codon 713 is replaced by isoleucine, an amino acid with similar properties. This amino acid position is conserved. In addition, this alteration is predicted to be tolerated by in silico analysis. Since supporting evidence is limited at this time, the clinical significance of this alteration remains unclear.

NM_001040108.2(MLH3):c.2138C>T (p.Thr713Ile)

Gene: MLH3 (mutL homolog 3; minus strand). Cytogenetic location: 14q24.3.
Variant type: single nucleotide variant.
Coding change: c.2138C>T on transcript NM_001040108.2 (MANE Select); coding-DNA position 2138, C replaced by T.
Protein change: p.Thr713Ile; replaces threonine 713 with isoleucine.
Molecular consequence: missense variant.
Genome position (GRCh38, 1-based): chr14:75,047,518, G>A on the plus strand (C>T on the coding strand, the complement: MLH3 is on the minus strand). VCF-style: chr14-75047518-G-A. GRCh37 (hg19) VCF-style: chr14-75514221-G-A.
Other names: c.2138C>T, p.Thr713Ile (NM_014381.3); short protein forms T713I.
Identifiers: ClinVar variation 1786504 (VCV001786504.2), dbSNP rs2139569120, ClinGen allele CA390441542.